The following is an entry in ClinVar:

ClinVar aggregate classification (germline): Conflicting classifications of pathogenicity. Review status: criteria provided, conflicting classifications (1 of 4 stars). 4 submissions from 4 submitters: Pathogenic (1); Likely pathogenic (1); Uncertain significance (2). Last evaluated 2026-04-27.

Conditions:
Maple syrup urine disease type 1A (MSUD1A). Also called: MSUD type 1A. Identifiers: MedGen C1855369, MONDO:0023691, OMIM 248600.
Maple syrup urine disease (MSUD). Identifiers: Orphanet 511, MedGen C0024776, MeSH D008375, MONDO:0009563. Disease mechanism: loss of function.

Allele frequency attached by ClinVar (database versions not stated): gnomAD 0.00001; gnomAD exomes 0.00001; ExAC 0.00002; TOPMed 0.00003.
gnomAD v4.1: 7 of 1,610,680 alleles (0.00043%); highest among the groups gnomAD compares: African/African-American, 0.0053%; no homozygotes.

Submissions (4):

Dasa
Classification: Likely pathogenic. Last evaluated: 2026-04-27. Review status: criteria provided, single submitter. Criteria: DASA Assertion Criteria. Collection method: clinical testing. Allele origin: germline.
Comment: NM_001918.5(DBT):c.365A>G (p.Tyr122Cys) is a missense variant that results in the substitution of tyrosine with cysteine. The affected residue or protein region has prior evidence supporting clinical relevance. This variant has been reported in individuals with DBT-related disorders (PMID: 34069211). Functional evidence supports an impact on the gene or gene product (PMID: 34069211). Also, this variant is rare in population databases. Based on the currently available evidence, this variant is classified as likely pathogenic.

Labcorp Genetics (formerly Invitae), Labcorp
Classification: Pathogenic for Maple syrup urine disease. Last evaluated: 2026-01-11. Review status: criteria provided, single submitter. Criteria: Invitae Variant Classification Sherloc (09022015). Collection method: clinical testing. Allele origin: germline.
Comment: This sequence change replaces tyrosine, which is neutral and polar, with cysteine, which is neutral and slightly polar, at codon 122 of the DBT protein (p.Tyr122Cys). This variant is present in population databases (rs727503896, gnomAD 0.01%). This missense change has been observed in individual(s) with maple syrup urine disease (PMID: 34069211; internal data). In at least one individual the data is consistent with being in trans (on the opposite chromosome) from a pathogenic variant. ClinVar contains an entry for this variant (Variation ID: 166984). Invitae Evidence Modeling of protein sequence and biophysical properties (such as structural, functional, and spatial information, amino acid conservation, physicochemical variation, residue mobility, and thermodynamic stability) has been performed for this missense variant. However, the output from this modeling did not meet the statistical confidence thresholds required to predict the impact of this variant on DBT protein function. For these reasons, this variant has been classified as Pathogenic.

Revvity Omics, Revvity
Classification: Uncertain significance for Maple syrup urine disease type 1A. Last evaluated: 2024-02-15. Review status: criteria provided, single submitter. Criteria: ACMG Guidelines, 2015. Collection method: clinical testing. Allele origin: germline.

Eurofins Ntd Llc (ga)
Classification: Uncertain significance. Last evaluated: 2014-02-17. Review status: criteria provided, single submitter. Criteria: EGL Classification Definitions 2015. Collection method: clinical testing. Allele origin: germline. Observed: 1 variant allele, 1 heterozygote.

Literature cited by the submitters: PubMed 34069211 (cited by Dasa and Labcorp Genetics (formerly Invitae), Labcorp).

NM_001918.5(DBT):c.365A>G (p.Tyr122Cys)

Gene: DBT (dihydrolipoamide branched chain transacylase E2; minus strand). Cytogenetic location: 1p21.2.
Variant type: single nucleotide variant.
Coding change: c.365A>G on transcript NM_001918.5 (MANE Select); coding-DNA position 365, A replaced by G.
Protein change: p.Tyr122Cys; replaces tyrosine 122 with cysteine.
Molecular consequence: missense variant.
Genome position (GRCh38, 1-based): chr1:100,230,801, T>C on the plus strand (A>G on the coding strand, the complement: DBT is on the minus strand). VCF-style: chr1-100230801-T-C. GRCh37 (hg19) VCF-style: chr1-100696357-T-C.
Other names: c.365A>G (NM_001918.4, NM_001918.3); short protein forms Y122C.
Identifiers: ClinVar variation 166984 (VCV000166984.15), dbSNP rs727503896, ClinGen allele CA233879.